The following is an entry in ClinVar:

ClinVar aggregate classification (germline): Likely benign (1 of 4 stars; one submission).

gnomAD v4.1: 8 of 1,595,202 alleles (0.0005%); highest among the groups gnomAD compares: Non-Finnish European, 0.00051%; no homozygotes.

Submission:

CeGaT Center for Human Genetics Tuebingen
Classification: Likely benign. Last evaluated: 2025-02-01. Review status: criteria provided, single submitter. Criteria: CeGaT Center For Human Genetics Tuebingen Variant Classification Criteria Version 2. Collection method: clinical testing. Allele origin: germline. Affected: yes. Observed: 1 variant allele.
Comment: MYO15A: BP4, BP7

NM_016239.4(MYO15A):c.8898C>A (p.Gly2966=)

Gene: MYO15A (myosin XVA; plus strand). Cytogenetic location: 17p11.2.
Variant type: single nucleotide variant.
Coding change: c.8898C>A on transcript NM_016239.4 (MANE Select); coding-DNA position 8898, C replaced by A.
Protein change: p.Gly2966=; no amino-acid change (glycine 2966 retained).
Molecular consequence: synonymous variant.
Genome position (GRCh38, 1-based): chr17:18,157,831, C>A. VCF-style: chr17-18157831-C-A. GRCh37 (hg19) VCF-style: chr17-18061145-C-A.
Identifiers: ClinVar variation 3771531 (VCV003771531.13).